The following is an entry in ClinVar:

NM_001110556.2(FLNA):c.3690C>T (p.Thr1230=)

Gene: FLNA (filamin A; minus strand). Cytogenetic location: Xq28.
Variant type: single nucleotide variant.
Coding change: c.3690C>T on transcript NM_001110556.2 (MANE Select); coding-DNA position 3690, C replaced by T.
Protein change: p.Thr1230=; no amino-acid change (threonine 1230 retained).
Molecular consequence: synonymous variant.
Genome position (GRCh38, 1-based): chrX:154,360,105, G>A on the plus strand (C>T on the coding strand, the complement: FLNA is on the minus strand). VCF-style: chrX-154360105-G-A. GRCh37 (hg19) VCF-style: chrX-153588473-G-A.
Other names: p.T1230T:ACC>ACT; p.Thr1230=; c.3690C>T, p.Thr1230= (NM_001456.4).
Identifiers: ClinVar variation 129072 (VCV000129072.37), dbSNP rs35015603, ClinGen allele CA288861.

ClinVar aggregate classification (germline): Benign/Likely benign. Review status: criteria provided, multiple submitters, no conflicts (2 of 4 stars). 13 submissions from 13 submitters: Benign (8); Likely benign (2). 3 of the submissions do not count toward it. Last evaluated 2026-02-03.

Conditions:
Heterotopia, periventricular, X-linked dominant (PVNH1). Also called: PERIVENTRICULAR NODULAR HETEROTOPIA 4; HETEROTOPIA, PERIVENTRICULAR, 1; PERIVENTRICULAR NODULAR HETEROTOPIA 1; X-linked periventricular heterotopia. Identifiers: Orphanet 2149, Orphanet 82004, MedGen C1848213, MONDO:0010233, OMIM 300049.
Oto-palato-digital syndrome, type II (OPD2). Also called: Otopalatodigital Syndrome, Type II; FACIOPALATOOSSEOUS SYNDROME; OPD II SYNDROME; Otopalatodigital Syndrome Type 2 (FLNA-OPD2). Identifiers: Orphanet 669, Orphanet 90652, MedGen C1844696, MONDO:0010571, OMIM 304120.
Frontometaphyseal dysplasia (FMD1). Identifiers: Orphanet 1826, MedGen C0265293, MONDO:0015942.
Melnick-Needles syndrome (MNS). Also called: MELNICK-NEEDLES OSTEODYSPLASTY; OSTEODYSPLASTY OF MELNICK AND NEEDLES; Melnick-Needles Syndrome (FLNA-MNS). Identifiers: Orphanet 2484, MedGen C0025237, MONDO:0010650, OMIM 309350.
Oto-palato-digital syndrome, type I (OPD1). Also called: Otopalatodigital Syndrome, Type I; Taybi syndrome; OPD I SYNDROME; OPD SYNDROME 1; Otopalatodigital Syndrome Type 1 (FLNA-OPD1). Identifiers: Orphanet 669, Orphanet 90650, MedGen C0265251, MONDO:0010704, OMIM 311300.
Frontometaphyseal dysplasia 1 (FMD1). Also called: Frontometaphyseal Dysplasia (FLNA-FMD). Identifiers: Orphanet 1826, MedGen C4281559, MONDO:0024550, OMIM 305620.
FG syndrome 2 (FGS2). Identifiers: MedGen C1845902, MONDO:0010297, OMIM 300321.
Cardiac valvular dysplasia, X-linked (CVDPX). Also called: Isolated X-Linked Cardiac Valvular Dysplasia; Congenital valvular dysplasia; MYXOMATOUS VALVULAR DYSTROPHY, X-LINKED; VALVULAR HEART DISEASE, CONGENITAL; FLNA-Related X-linked Cardiac Valvular Dysplasia. Identifiers: Orphanet 1864, Orphanet 555877, Orphanet 75497, MedGen C0262436, MONDO:0010753, OMIM 314400.
Terminal osseous dysplasia-pigmentary defects syndrome. Also called: ODPD; TERMINAL OSSEOUS DYSPLASIA AND PIGMENTARY DEFECTS; Terminal Osseous Dysplasia (FLNA-TOD); ODPF SYNDROME; OSSEOUS DYSPLASIA, DIGITAL, WITH FACIAL PIGMENTARY DEFECTS AND MULTIPLE FRENULA. Identifiers: Orphanet 88630, MedGen C1846129, MONDO:0010279, OMIM 300244.
Intestinal pseudoobstruction, neuronal, chronic idiopathic, X-linked (CIIPX). Also called: FLNA-Related Periventricular Nodular Heterotopia (FLNA-Related PVNH; Huttenlocher Syndrome); INTESTINAL PSEUDOOBSTRUCTION, NEURONAL, CHRONIC IDIOPATHIC, WITH CENTRAL NERVOUS SYSTEM INVOLVEMENT; CONGENITAL IDIOPATHIC INTESTINAL PSEUDOOBSTRUCTION. Identifiers: Orphanet 2301, MedGen C2746068, MONDO:0010232, OMIM 300048.
Familial thoracic aortic aneurysm and aortic dissection (TAAD). Also called: Thoracic aortic aneurysms and dissections. Identifiers: Orphanet 91387, MedGen C4707243, MONDO:0019625.

Allele frequency attached by ClinVar (database versions not stated): gnomAD exomes 0.00073 and 0.00186; ExAC 0.00209; 1000 Genomes Project 30x 0.00479; 1000 Genomes Project 0.00503; gnomAD 0.00672 and 0.00732; ESP Exome Variant Server 0.00773; TOPMed 0.00778.
gnomAD v4.1: 1,604 of 1,210,007 alleles (0.13%); highest among the groups gnomAD compares: African/African-American, 2.4%; 5 homozygotes.

Submissions (13):

Labcorp Genetics (formerly Invitae), Labcorp
Classification: Benign for Oto-palato-digital syndrome, type II; Heterotopia, periventricular, X-linked dominant; Frontometaphyseal dysplasia; Melnick-Needles syndrome. Last evaluated: 2026-02-03. Review status: criteria provided, single submitter. Criteria: Invitae Variant Classification Sherloc (09022015). Collection method: clinical testing. Allele origin: germline.

ARUP Laboratories, Molecular Genetics and Genomics, ARUP Laboratories
Classification: Benign. Last evaluated: 2025-04-08. Review status: criteria provided, single submitter. Criteria: ARUP Molecular Germline Variant Investigation Process 2024. Collection method: clinical testing. Allele origin: germline.

Blueprint Genetics
Classification: Likely benign. Last evaluated: 2024-11-27. Review status: criteria provided, single submitter. Criteria: ACMG Guidelines, 2015. Collection method: clinical testing. Allele origin: germline.

Women's Health and Genetics/Laboratory Corporation of America, LabCorp
Classification: Benign. Last evaluated: 2023-07-21. Review status: criteria provided, single submitter. Criteria: LabCorp Variant Classification Summary - May 2015. Collection method: clinical testing. Allele origin: germline.

Mayo Clinic Laboratories, Mayo Clinic
Classification: Benign. Last evaluated: 2021-09-23. Review status: criteria provided, single submitter. Criteria: ACMG Guidelines, 2015. Collection method: clinical testing. Allele origin: germline. Observed: 16 variant alleles.
Comment: BS1, BS2, BP4, BP7

Fulgent Genetics
Classification: Likely benign for Intestinal pseudoobstruction, neuronal, chronic idiopathic, X-linked; Heterotopia, periventricular, X-linked dominant; Terminal osseous dysplasia-pigmentary defects syndrome; FG syndrome 2; Oto-palato-digital syndrome, type II; Frontometaphyseal dysplasia 1; Melnick-Needles syndrome; Oto-palato-digital syndrome, type I; Cardiac valvular dysplasia, X-linked. Last evaluated: 2021-08-23. Review status: criteria provided, single submitter. Criteria: ACMG Guidelines, 2015. Collection method: clinical testing. Allele origin: unknown.

Ambry Genetics
Classification: Benign for Familial thoracic aortic aneurysm and aortic dissection. Last evaluated: 2015-06-23. Review status: criteria provided, single submitter. Criteria: Ambry Variant Classification Scheme 2023. Collection method: clinical testing. Allele origin: germline.

GeneDx
Classification: Benign. Last evaluated: 2015-06-18. Review status: criteria provided, single submitter. Criteria: GeneDx Variant Classification (06012015). Collection method: clinical testing. Allele origin: germline. Affected: yes.
Comment: This variant is considered likely benign or benign based on one or more of the following criteria: it is a conservative change, it occurs at a poorly conserved position in the protein, it is predicted to be benign by multiple in silico algorithms, and/or has population frequency not consistent with disease.

Claritas Genomics
Classification: Benign. Last evaluated: 2012-06-04. Review status: criteria provided, single submitter. Criteria: ACMG Guidelines, 2007. Collection method: clinical testing. Allele origin: germline. Inheritance: X-linked inheritance.

Breakthrough Genomics
Classification: Benign. Review status: criteria provided, single submitter. Criteria: ACMG Guidelines, 2015. Collection method: not provided. Allele origin: germline. Inheritance: X-linked inheritance. Affected: yes.

Clinical Genetics DNA and cytogenetics Diagnostics Lab, Erasmus MC, Erasmus Medical Center
Classification: Benign. Review status: no assertion criteria provided. Collection method: clinical testing. Allele origin: germline. Affected: yes. Study: VKGL Data-share Consensus. Not counted in ClinVar's aggregate classification.

Genetic Services Laboratory, University of Chicago
Classification: Likely benign for AllHighlyPenetrant. Review status: no assertion criteria provided. Collection method: clinical testing. Allele origin: germline. Inheritance: X-linked inheritance. Not counted in ClinVar's aggregate classification.
Comment: Likely benign based on allele frequency in 1000 Genomes Project or ESP global frequency and its presence in a patient with a rare or unrelated disease phenotype. NOT Sanger confirmed.

Genome Diagnostics Laboratory, Amsterdam University Medical Center
Classification: Benign. Review status: no assertion criteria provided. Collection method: clinical testing. Allele origin: germline. Affected: yes. Study: VKGL Data-share Consensus. Not counted in ClinVar's aggregate classification.